The following is an entry in ClinVar:

ClinVar aggregate classification (germline): Uncertain significance. Review status: criteria provided, multiple submitters, no conflicts (2 of 4 stars). 2 submissions from 2 submitters: Uncertain significance (2). Last evaluated 2024-09-30.

Conditions:
Hereditary cancer-predisposing syndrome. Also called: Neoplastic Syndromes, Hereditary; Hereditary neoplastic syndrome; Hereditary Cancer Syndrome; Tumor predisposition. Identifiers: Orphanet 140162, MedGen C0027672, MeSH D009386, MONDO:0015356.
Microcephaly, normal intelligence and immunodeficiency (NBS). Also called: Nijmegen breakage syndrome; IMMUNODEFICIENCY, MICROCEPHALY, AND CHROMOSOMAL INSTABILITY; Immunodeficiency, microcephaly with normal intelligence; Microcephaly with normal intelligence immunodeficiency and lymphoreticular malignancies; Nonsyndromal microcephaly autosomal recessive with normal intelligence; Seemanova syndrome 2. Identifiers: Orphanet 647, MedGen C0398791, MONDO:0009623, OMIM 251260.

Submissions (2):

Ambry Genetics
Classification: Uncertain significance for Hereditary cancer-predisposing syndrome. Last evaluated: 2024-09-30. Review status: criteria provided, single submitter. Criteria: Ambry Variant Classification Scheme 2023. Collection method: clinical testing. Allele origin: germline.
Comment: The p.V729A variant (also known as c.2186T>C), located in coding exon 15 of the NBN gene, results from a T to C substitution at nucleotide position 2186. The valine at codon 729 is replaced by alanine, an amino acid with similar properties. This amino acid position is conserved. In addition, this alteration is predicted to be tolerated by in silico analysis. Based on the available evidence, the clinical significance of this variant remains unclear.

Labcorp Genetics (formerly Invitae), Labcorp
Classification: Uncertain significance for Microcephaly, normal intelligence and immunodeficiency. Last evaluated: 2021-09-02. Review status: criteria provided, single submitter. Criteria: Invitae Variant Classification Sherloc (09022015). Collection method: clinical testing. Allele origin: germline.
Comment: This sequence change replaces valine with alanine at codon 729 of the NBN protein (p.Val729Ala). The valine residue is weakly conserved and there is a small physicochemical difference between valine and alanine. This variant is not present in population databases (ExAC no frequency). This variant has not been reported in the literature in individuals affected with NBN-related conditions. Algorithms developed to predict the effect of missense changes on protein structure and function are either unavailable or do not agree on the potential impact of this missense change (SIFT: "Tolerated"; PolyPhen-2: "Probably Damaging"; Align-GVGD: "Class C0"). In summary, the available evidence is currently insufficient to determine the role of this variant in disease. Therefore, it has been classified as a Variant of Uncertain Significance.

NM_002485.5(NBN):c.2186T>C (p.Val729Ala)

Gene: NBN (nibrin; minus strand). Cytogenetic location: 8q21.3.
Variant type: single nucleotide variant.
Coding change: c.2186T>C on transcript NM_002485.5 (MANE Select); coding-DNA position 2186, T replaced by C.
Protein change: p.Val729Ala; replaces valine 729 with alanine.
Molecular consequence: missense variant.
Genome position (GRCh38, 1-based): chr8:89,937,074, A>G on the plus strand (T>C on the coding strand, the complement: NBN is on the minus strand). VCF-style: chr8-89937074-A-G. GRCh37 (hg19) VCF-style: chr8-90949302-A-G.
Other names: c.1940T>C, p.Val647Ala (NM_001024688.3); short protein forms V647A, V729A.
Identifiers: ClinVar variation 943143 (VCV000943143.8), dbSNP rs1809726528, ClinGen allele CA371674841.
Genomic context (GRCh38, chr8:89,937,074, plus strand): 5'-ATCAAACTTTACCTAAAAAGATCATCAGCAAGAGACTCTTCTTTTGCATGTTGATTTTGT[A>G]CCTGTCAAAATTAACATAATTTCAAACATTTGCTCAGTGGTGAATATATAGTTAATGAAT-3'
Protein context (NP_002476.2, residues 719-739): LEEWLRQEME[Val729Ala]QNQHAKEESL